The following is an entry in ClinVar:

NM_001148.6(ANK2):c.6105G>A (p.Pro2035=)

Genes: ANK2 (ankyrin 2; plus strand), LOC126807136 (MED14-independent group 3 enhancer GRCh37_chr4:114274931-114276130; plus strand). Cytogenetic location: 4q26.
Variant type: single nucleotide variant.
Coding change: c.6105G>A on transcript NM_001148.6 (MANE Select); coding-DNA position 6105, G replaced by A.
Protein change: p.Pro2035=; no amino-acid change (proline 2035 retained).
Molecular consequence: synonymous variant. On other transcripts: intron variant (68).
Genome position (GRCh38, 1-based): chr4:113,354,723, G>A. VCF-style: chr4-113354723-G-A. GRCh37 (hg19) VCF-style: chr4-114275879-G-A.
Other names: c.5871G>A, p.Pro1957= (NM_001386142.1); c.2505G>A, p.Pro835= (NM_001386166.1); c.6246G>A, p.Pro2082= (NM_001386174.1); c.6222G>A, p.Pro2074= (NM_001386175.1); c.4411+4474G>A (NM_001386186.2, NM_001386148.2); c.4213+4474G>A (NM_001354269.3); c.4291+4474G>A (NM_001386187.2); c.4252+4474G>A (NM_001386147.1); and 36 more.
Identifiers: ClinVar variation 1402613 (VCV001402613.34), dbSNP rs757880191, ClinGen allele CA103813099.
Genomic context (GRCh38, chr4:113,354,723, plus strand): 5'-AGCAAAACAAAAGCAGCCACAAGAGAAAGGTAAAGTTCGGGTAGAAAAAGAAAAGGGGCC[G>A]ATACTAACCCAGAGAGAAGCTCAGAAAACAGAGAATCAGACAATCAAACGAGGCCAGAGA-3'
Protein context (NP_001139.3, residues 2025-2045): GKVRVEKEKG[Pro2035=]ILTQREAQKT

ClinVar aggregate classification (germline): Likely benign. Review status: criteria provided, multiple submitters, no conflicts (2 of 4 stars). 4 submissions from 4 submitters: Likely benign (4). Last evaluated 2024-08-19.

Conditions:
Long QT syndrome (LQTS). Identifiers: MedGen C0023976, MeSH D008133, MONDO:0002442. Disease mechanism: loss of function. Inheritance: Various modes of inheritance.
Cardiovascular phenotype. Identifiers: MedGen CN230736.

Allele frequency attached by ClinVar (database versions not stated): gnomAD 0.00001; gnomAD exomes 0.00001; TOPMed 0.00001.
gnomAD v4.1: 18 of 1,613,596 alleles (0.0011%); highest among the groups gnomAD compares: South Asian, 0.0044%; no homozygotes.

Submissions (4):

Ambry Genetics
Classification: Likely benign for Cardiovascular phenotype. Last evaluated: 2024-08-19. Review status: criteria provided, single submitter. Criteria: Ambry Variant Classification Scheme 2023. Collection method: clinical testing. Allele origin: germline.

Blueprint Genetics
Classification: Likely benign. Last evaluated: 2024-05-08. Review status: criteria provided, single submitter. Criteria: ACMG Guidelines, 2015. Collection method: clinical testing. Allele origin: germline.

CeGaT Center for Human Genetics Tuebingen
Classification: Likely benign. Last evaluated: 2023-02-01. Review status: criteria provided, single submitter. Criteria: CeGaT Center For Human Genetics Tuebingen Variant Classification Criteria Version 2. Collection method: clinical testing. Allele origin: germline. Affected: yes. Observed: 1 variant allele.
Comment: ANK2: BP4, BP7

Labcorp Genetics (formerly Invitae), Labcorp
Classification: Likely benign for Long QT syndrome. Last evaluated: 2021-03-26. Review status: criteria provided, single submitter. Criteria: Invitae Variant Classification Sherloc (09022015). Collection method: clinical testing. Allele origin: germline.